The following is an entry in ClinVar:

ClinVar aggregate classification (germline): Uncertain significance. Review status: criteria provided, multiple submitters, no conflicts (2 of 4 stars). 2 submissions from 2 submitters: Uncertain significance (2). Last evaluated 2025-09-03.

Conditions:
Hereditary cancer-predisposing syndrome. Also called: Tumor predisposition; Neoplastic Syndromes, Hereditary; Hereditary neoplastic syndrome; Hereditary Cancer Syndrome. Identifiers: Orphanet 140162, MedGen C0027672, MeSH D009386, MONDO:0015356.
SUFU-related disorder. Also called: SUFU-related condition; SUFU-related disorders.

Submissions (2):

Ambry Genetics
Classification: Uncertain significance for Hereditary cancer-predisposing syndrome. Last evaluated: 2025-09-03. Review status: criteria provided, single submitter. Criteria: Ambry Variant Classification Scheme 2023. Collection method: clinical testing. Allele origin: germline.
Comment: The c.176A>G (p.K59R) alteration is located in exon 1 (coding exon 1) of the SUFU gene. This alteration results from an A to G substitution at nucleotide position 176, causing the lysine (K) at amino acid position 59 to be replaced by an arginine (R). This variant was not reported in population-based cohorts in the Genome Aggregation Database (gnomAD). This amino acid position is highly conserved in available vertebrate species. The in silico prediction for this alteration is inconclusive. Based on insufficient or conflicting evidence, the clinical significance of this alteration remains unclear.

PreventionGenetics, part of Exact Sciences
Classification: Uncertain significance for SUFU-related condition. Last evaluated: 2023-03-02. Review status: criteria provided, single submitter. Criteria: ACMG Guidelines, 2015. Collection method: clinical testing. Allele origin: germline.
Comment: The SUFU c.176A>G variant is predicted to result in the amino acid substitution p.Lys59Arg. To our knowledge, this variant has not been reported in individuals with SUFU-related disease or in a large population database, indicating this variant is rare. Functional studies suggest this variant may impact protein function (Yan et al. 2021. PubMed ID: 33608498). At this time, the clinical significance of this variant is uncertain due to the absence of conclusive functional and genetic evidence.

NM_016169.4(SUFU):c.176A>G (p.Lys59Arg)

Gene: SUFU (SUFU negative regulator of hedgehog signaling; plus strand). Cytogenetic location: 10q24.32.
Variant type: single nucleotide variant.
Coding change: c.176A>G on transcript NM_016169.4 (MANE Select); coding-DNA position 176, A replaced by G.
Protein change: p.Lys59Arg; replaces lysine 59 with arginine.
Molecular consequence: missense variant.
Genome position (GRCh38, 1-based): chr10:102,504,328, A>G. VCF-style: chr10-102504328-A-G. GRCh37 (hg19) VCF-style: chr10-104264085-A-G.
Other names: c.176A>G, p.Lys59Arg (NM_001178133.2); short protein forms K59R.
Identifiers: ClinVar variation 2633606 (VCV002633606.2), dbSNP rs2544831922, ClinGen allele CA377886770.